The following is an entry in ClinVar:

NM_002878.4(RAD51D):c.938C>G (p.Thr313Ser)

Genes: RAD51D (RAD51 paralog D; minus strand), RAD51L3-RFFL (RAD51L3-RFFL readthrough; minus strand). Cytogenetic location: 17q12.
Variant type: single nucleotide variant.
Coding change: c.938C>G on transcript NM_002878.4 (MANE Select); coding-DNA position 938, C replaced by G.
Protein change: p.Thr313Ser; replaces threonine 313 with serine.
Molecular consequence: missense variant. On other transcripts: non-coding transcript variant (2).
Genome position (GRCh38, 1-based): chr17:35,101,002, G>C on the plus strand (C>G on the coding strand, the complement: RAD51D is on the minus strand). VCF-style: chr17-35101002-G-C. GRCh37 (hg19) VCF-style: chr17-33428021-G-C.
Other names: c.998C>G, p.Thr333Ser (NM_001142571.2); c.602C>G, p.Thr201Ser (NM_133629.3); short protein forms T201S, T313S, T333S.
Identifiers: ClinVar variation 1017562 (VCV001017562.9), dbSNP rs756616712, ClinGen allele CA399086121.
Genomic context (GRCh38, chr17:35,101,002, plus strand): 5'-AACAGCACAGGTCATGTCTGATCACCCTGTAATGTGGCACTCTGCTCTGAGGTCCCCCAG[G>C]TCCCAATGTCTACCATCTCCTGGAAACCTGTTGGCTGGAAGAAGAAGTAAGGAGTCAGTG-3'
Protein context (NP_002869.3, residues 303-323): TGFQEMVDIG[Thr313Ser]WGTSEQSATL

ClinVar aggregate classification (germline): Conflicting classifications of pathogenicity. Review status: criteria provided, conflicting classifications (1 of 4 stars). 3 submissions from 3 submitters: Uncertain significance (2); Likely benign (1). Last evaluated 2025-06-05.

Conditions:
Hereditary cancer-predisposing syndrome. Also called: Tumor predisposition; Neoplastic Syndromes, Hereditary; Hereditary neoplastic syndrome; Hereditary Cancer Syndrome. Identifiers: Orphanet 140162, MedGen C0027672, MeSH D009386, MONDO:0015356.
Breast-ovarian cancer, familial, susceptibility to, 4. Identifiers: Orphanet 145, MedGen C3280345, MONDO:0013669, OMIM 614291.

Allele frequency attached by ClinVar (database versions not stated): TOPMed below 0.00001.
gnomAD v4.1: 1 of 1,613,898 alleles (0.000062%); highest among the groups gnomAD compares: African/African-American, 0.0013%; no homozygotes.

Submissions (3):

Labcorp Genetics (formerly Invitae), Labcorp
Classification: Uncertain significance for Breast-ovarian cancer, familial, susceptibility to, 4. Last evaluated: 2025-06-05. Review status: criteria provided, single submitter. Criteria: Invitae Variant Classification Sherloc (09022015). Collection method: clinical testing. Allele origin: germline.
Comment: This sequence change replaces threonine, which is neutral and polar, with serine, which is neutral and polar, at codon 313 of the RAD51D protein (p.Thr313Ser). This variant is present in population databases (no rsID available, gnomAD 0.003%). This variant has not been reported in the literature in individuals affected with RAD51D-related conditions. ClinVar contains an entry for this variant (Variation ID: 1017562). An algorithm developed to predict the effect of missense changes on protein structure and function (PolyPhen-2) suggests that this variant is likely to be tolerated. In summary, the available evidence is currently insufficient to determine the role of this variant in disease. Therefore, it has been classified as a Variant of Uncertain Significance.

Ambry Genetics
Classification: Likely benign for Hereditary cancer-predisposing syndrome. Last evaluated: 2024-02-26. Review status: criteria provided, single submitter. Criteria: Ambry Variant Classification Scheme 2023. Collection method: clinical testing. Allele origin: germline.

Sema4
Classification: Uncertain significance for Hereditary cancer-predisposing syndrome. Last evaluated: 2021-10-04. Review status: criteria provided, single submitter. Criteria: Sema4 Curation Guidelines. Collection method: curation. Allele origin: germline.
Comment: The RAD51D c.938C>G (p.T313S) variant has not been reported in the literature to our knowledge. It was observed in 1/30616 chromosomes of the South Asian subpopulation in the large and broad cohorts of the Genome Aggregation Database (PMID: 32461654). The variant has been reported in ClinVar (Variation ID: 1017562). In silico tools suggest the impact of the variant on protein function is benign, though these predictions have not been confirmed by functional studies. The evidence is insufficient to meet ACMG/AMP criteria for classifying the variant as benign or pathogenic. Thus, the clinical significance of this variant is currently uncertain.